The following is an entry in ClinVar:

ClinVar aggregate classification (germline): Uncertain significance (1 of 4 stars; one submission).

Conditions:
Developmental and epileptic encephalopathy, 11 (DEE11). Also called: Early infantile epileptic encephalopathy 11. Identifiers: Orphanet 1934, MedGen C3150987, MONDO:0013388, OMIM 613721.

Allele frequency attached by ClinVar (database versions not stated): gnomAD exomes below 0.00001.
gnomAD v4.1: 3 of 1,613,602 alleles (0.00019%); highest among the groups gnomAD compares: Non-Finnish European, 0.00025%; no homozygotes.

Submission:

Victorian Clinical Genetics Services, Murdoch Childrens Research Institute
Classification: Uncertain significance for Developmental and epileptic encephalopathy, 11. Last evaluated: 2022-03-31. Review status: criteria provided, single submitter. Criteria: ACMG Guidelines, 2015. Collection method: clinical testing. Allele origin: germline. Inheritance: Autosomal dominant inheritance. Affected: yes.
Comment: Based on the classification scheme VCGS_Germline_v1.3.4, this variant is classified as VUS-3C. Following criteria are met: 0103 - Loss of function and gain of function are known mechanisms of disease in this gene and are associated with SCN2A-related disorders. Gain of function is associated with developmental and epileptic encephalopathy 11 (MIM#613721) and benign familial infantile seizures 3 (MIM#607745). Loss of function has been associated with autism spectrum disorder and/or intellectual disability, with or without childhood-onset seizures (OMIM, PMID: 29691040). (I) 0107 - This gene is associated with autosomal dominant disease. (I) 0212 - Non-canonical splice site variant without proven consequence on splicing (no functional evidence available). (SP) 0251 - This variant is heterozygous. (I) 0301 - Variant is absent from gnomAD (both v2 and v3). (SP) 0508 - In silico predictions for abnormal splicing are inconclusive. (I) 0705 - No comparable splice region variants have previous evidence for pathogenicity. (I) 0807 - This variant has no previous evidence of pathogenicity. (I) 0906 - Segregation evidence for this variant is inconclusive. (I) 1007 - No published functional evidence has been identified for this variant. (I) 1208 - Inheritance information for this variant is not currently available in this individual. (I) Legend: (SP) - Supporting pathogenic, (I) - Information, (SB) - Supporting benign

Literature cited by the submitters: PubMed 29691040.

NM_001040142.2(SCN2A):c.606A>G (p.Ala202=)

Gene: SCN2A (sodium voltage-gated channel alpha subunit 2; plus strand). Cytogenetic location: 2q24.3.
Variant type: single nucleotide variant.
Coding change: c.606A>G on transcript NM_001040142.2 (MANE Select); coding-DNA position 606, A replaced by G.
Protein change: p.Ala202=; no amino-acid change (alanine 202 retained).
Molecular consequence: synonymous variant. On other transcripts: intron variant (2).
Genome position (GRCh38, 1-based): chr2:165,309,352, A>G. VCF-style: chr2-165309352-A-G. GRCh37 (hg19) VCF-style: chr2-166165862-A-G.
Other names: c.606A>G, p.Ala202= (NM_001371247.1, NM_021007.3); c.697+96A>G (NM_001040143.2, NM_001371246.1).
Identifiers: ClinVar variation 1699052 (VCV001699052.3), dbSNP rs2105244839, ClinGen allele CA2573050740.